The following is an entry in ClinVar:

NM_000147.5(FUCA1):c.1190C>T (p.Ala397Val)

Gene: FUCA1 (alpha-L-fucosidase 1; minus strand). Cytogenetic location: 1p36.11.
Variant type: single nucleotide variant.
Coding change: c.1190C>T on transcript NM_000147.5 (MANE Select); coding-DNA position 1190, C replaced by T.
Protein change: p.Ala397Val; replaces alanine 397 with valine.
Molecular consequence: missense variant.
Genome position (GRCh38, 1-based): chr1:23,846,144, G>A on the plus strand (C>T on the coding strand, the complement: FUCA1 is on the minus strand). VCF-style: chr1-23846144-G-A. GRCh37 (hg19) VCF-style: chr1-24172634-G-A.
Other names: short protein forms A397V.
Identifiers: ClinVar variation 1358075 (VCV001358075.3), dbSNP rs766121368, ClinGen allele CA686317.
Genomic context (GRCh38, chr1:23,846,144, plus strand): 5'-GAGGTAGTTATGGGGGATTCAAGGTTTAAGACTCCATTTTCTGGCCAGTGCAGAAAAATG[G>A]CATAAACAGCCGATCCCTTTGAGGTATACCTGGGAAAACAGAAACAACACTGTCAAAGAT-3'
Protein context (NP_000138.2, residues 387-407): WYTSKGSAVY[Ala397Val]IFLHWPENGV

ClinVar aggregate classification (germline): Uncertain significance (1 of 4 stars; one submission).

Conditions:
Fucosidosis. Also called: ALPHA-L-FUCOSIDASE DEFICIENCY. Identifiers: Orphanet 349, MedGen C0016788, MONDO:0009254, OMIM 230000.

Allele frequency attached by ClinVar (database versions not stated): gnomAD exomes 0.00001; ExAC 0.00002; gnomAD 0.00003; TOPMed 0.00004.
gnomAD v4.1: 8 of 1,613,872 alleles (0.0005%); highest among the groups gnomAD compares: African/African-American, 0.011%; no homozygotes.

Submission:

Labcorp Genetics (formerly Invitae), Labcorp
Classification: Uncertain significance for Fucosidosis. Last evaluated: 2021-10-14. Review status: criteria provided, single submitter. Criteria: Invitae Variant Classification Sherloc (09022015). Collection method: clinical testing. Allele origin: germline.
Comment: This sequence change replaces alanine with valine at codon 397 of the FUCA1 protein (p.Ala397Val). The alanine residue is highly conserved and there is a small physicochemical difference between alanine and valine. This variant is present in population databases (rs766121368, ExAC 0.02%). This variant has not been reported in the literature in individuals affected with FUCA1-related conditions. Algorithms developed to predict the effect of missense changes on protein structure and function are either unavailable or do not agree on the potential impact of this missense change (SIFT: "Deleterious"; PolyPhen-2: "Benign"; Align-GVGD: "Class C0"). In summary, the available evidence is currently insufficient to determine the role of this variant in disease. Therefore, it has been classified as a Variant of Uncertain Significance.